The following is an entry in ClinVar:

ClinVar aggregate classification (germline): Uncertain significance. Review status: criteria provided, multiple submitters, no conflicts (2 of 4 stars). 14 submissions from 14 submitters: Uncertain significance (12). 2 of the submissions do not count toward it. Last evaluated 2026-01-07.

Conditions:
Breast-ovarian cancer, familial, susceptibility to, 1 (BROVCA1). Also called: BRCA1 Hereditary Breast and Ovarian Cancer; OVARIAN CANCER, SUSCEPTIBILITY TO. Identifiers: Orphanet 145, MedGen C2676676, MONDO:0011450, OMIM 604370. Disease mechanism: loss of function.
Familial cancer of breast. Also called: hereditary breast carcinoma; BREAST CANCER, FAMILIAL; Hereditary breast cancer. Identifiers: Orphanet 227535, MedGen C0346153, MONDO:0016419, OMIM 114480. Disease mechanism: loss of function.
Fanconi anemia, complementation group S (FANCS). Identifiers: MedGen C4554406, MONDO:0054748, OMIM 617883.
Pancreatic cancer, susceptibility to, 4. Identifiers: Orphanet 1333, MedGen C3280442, MONDO:0013685, OMIM 614320.
BRCA1-related cancer predisposition. Identifiers: MedGen CN377757, MONDO:0700268.
Hereditary cancer-predisposing syndrome. Also called: Hereditary Cancer Syndrome; Hereditary neoplastic syndrome; Neoplastic Syndromes, Hereditary; Tumor predisposition. Identifiers: Orphanet 140162, MedGen C0027672, MeSH D009386, MONDO:0015356.
Hereditary breast ovarian cancer syndrome. Also called: BRCA1- and BRCA2-Associated Hereditary Breast and Ovarian Cancer; Hereditary breast and ovarian cancer syndrome; Hereditary breast and ovarian cancer syndrome (HBOC); Breast and ovarian cancer; Hereditary breast and/or ovarian cancer syndrome; Hereditary breast and ovarian cancer. Identifiers: Orphanet 145, MedGen C0677776, MeSH D061325, MONDO:0003582. Disease mechanism: loss of function.

Allele frequency attached by ClinVar (database versions not stated): gnomAD 0.00001; gnomAD exomes below 0.00001; TOPMed 0.00001.
gnomAD v4.1: 4 of 1,613,950 alleles (0.00025%); highest among the groups gnomAD compares: Admixed American, 0.0017%; no homozygotes.

Submissions 1 to 6 of 14:

Labcorp Genetics (formerly Invitae), Labcorp
Classification: Uncertain significance for Hereditary breast ovarian cancer syndrome. Last evaluated: 2026-01-07. Review status: criteria provided, single submitter. Criteria: Invitae Variant Classification Sherloc (09022015). Collection method: clinical testing. Allele origin: germline.
Comment: This sequence change replaces threonine, which is neutral and polar, with isoleucine, which is neutral and non-polar, at codon 1550 of the BRCA1 protein (p.Thr1550Ile). This variant is not present in population databases (gnomAD no frequency). This missense change has been observed in individual(s) with acute lymphoblastic leukemia (PMID: 10923033, 26580448). This variant is also known as T1571I. ClinVar contains an entry for this variant (Variation ID: 55251). Invitae Evidence Modeling of protein sequence and biophysical properties (such as structural, functional, and spatial information, amino acid conservation, physicochemical variation, residue mobility, and thermodynamic stability) indicates that this missense variant is not expected to disrupt BRCA1 protein function with a negative predictive value of 95%. Experimental studies have shown that this missense change does not substantially affect BRCA1 function (PMID: 28781887). In summary, the available evidence is currently insufficient to determine the role of this variant in disease. Therefore, it has been classified as a Variant of Uncertain Significance.

Ambry Genetics
Classification: Uncertain significance for Hereditary cancer-predisposing syndrome. Last evaluated: 2025-08-29. Review status: criteria provided, single submitter. Criteria: Ambry Variant Classification Scheme 2023. Collection method: clinical testing. Allele origin: germline.
Comment: The p.T1550I variant (also known as c.4649C>T), located in coding exon 13 of the BRCA1 gene, results from a C to T substitution at nucleotide position 4649. The threonine at codon 1550 is replaced by isoleucine, an amino acid with similar properties. This amino acid position is poorly conserved in available vertebrate species. In addition, the in silico prediction for this alteration is inconclusive. Based on the available evidence, the clinical significance of this variant remains unclear.

GeneDx
Classification: Uncertain significance. Last evaluated: 2025-06-03. Review status: criteria provided, single submitter. Criteria: GeneDx Variant Classification Process June 2021. Collection method: clinical testing. Allele origin: germline. Affected: yes.
Comment: Observed in individuals with pediatric cancer (PMID: 26580448); Published functional studies suggest this variant has no damaging effect: transcriptional activiation activity comparable to wildtype (PMID: 28781887, 30765603, 35665744); Not observed at significant frequency in large population cohorts (gnomAD); In silico analysis suggests that this missense variant does not alter protein structure/function; Also known as 4768C>T; This variant is associated with the following publications: (PMID: 15385441, 23704879, 19276368, 28781887, 31131967, 29884841, 31911673, 32377563, 11301010, 9774970, 10220405, 31853058, 30765603, 35665744, 26580448)

Women's Health and Genetics/Laboratory Corporation of America, LabCorp
Classification: Uncertain significance. Last evaluated: 2025-04-29. Review status: criteria provided, single submitter. Criteria: LabCorp Variant Classification Summary - May 2015. Collection method: clinical testing. Allele origin: germline.
Comment: Variant summary: BRCA1 c.4649C>T (p.Thr1550Ile) results in a non-conservative amino acid change in the encoded protein sequence. Four of five in-silico tools predict a benign effect of the variant on protein function. The variant was absent in 251282 control chromosomes (gnomAD). The available data on variant occurrences in the general population are insufficient to allow any conclusion about variant significance. c.4649C>T has been reported in the literature in an individual affected with hyperdiploid ALL (acute lymphoblastic leukemia) (Zhang_2015). This report however, does not provide unequivocal conclusions about association of the variant with Hereditary Breast and Ovarian Cancer Syndrome. In transcriptional activation luciferase reporter assays, the variant was found to have similar activity that of wild type (Woods_2016). The following publications have been ascertained in the context of this evaluation (PMID: 30765603, 28781887, 26580448). ClinVar contains an entry for this variant (Variation ID: 55251). Based on the evidence outlined above, the variant was classified as uncertain significance.

Color Diagnostics, LLC DBA Color Health
Classification: Uncertain significance for Hereditary cancer-predisposing syndrome. Last evaluated: 2025-04-07. Review status: criteria provided, single submitter. Criteria: ACMG Guidelines, 2015. Collection method: clinical testing. Allele origin: germline.
Comment: This missense variant replaces threonine with isoleucine at codon 1550 of the BRCA1 protein. Computational prediction is inconclusive regarding the impact of this variant on protein structure and function. A transcription activation assay using transiently transfected mammalian cell has reported this variant as functional (PMID: 28781887). This variant has been reported in one individual affected with leukemia (PMID: 26580448). A multifactorial analysis has reported likelihood ratios for pathogenicity based on co-occurrence with a pathogenic variant and family history of 1.256 and 1.0595, respectively (PMID: 31131967). This variant has not been identified in the general population by the Genome Aggregation Database (gnomAD). The available evidence is insufficient to determine the role of this variant in disease conclusively. Therefore, this variant is classified as a Variant of Uncertain Significance.

All of Us Research Program, National Institutes of Health
Classification: Uncertain significance for BRCA1-related cancer predisposition. Last evaluated: 2024-08-06. Review status: criteria provided, single submitter. Criteria: ACMG Guidelines, 2015. Collection method: clinical testing. Allele origin: germline. Inheritance: Autosomal dominant inheritance. Observed: 6 variant alleles, 6 heterozygotes.
Comment: This missense variant replaces threonine with isoleucine at codon 1550 of the BRCA1 protein. Computational prediction is inconclusive regarding the impact of this variant on protein structure and function (internally defined REVEL score threshold 0.5 < inconclusive < 0.7, PMID: 27666373). A transcription activation assay using transiently transfected mammalian cell has reported this variant as functional (PMID: 28781887). This variant has been reported in one individual affected with leukemia (PMID: 26580448). A multifactorial analysis has reported likelihood ratios for pathogenicity based on co-occurrence with a pathogenic variant and family history of 1.256 and 1.0595, respectively (PMID: 31131967). This variant has not been identified in the general population by the Genome Aggregation Database (gnomAD). The available evidence is insufficient to determine the role of this variant in disease conclusively. Therefore, this variant is classified as a Variant of Uncertain Significance.

This study involves interpretation of variants in research participants for the purpose of population health screening. Participant phenotype was not available at the time of variant classification. Additional details can be found in publication PMID: 35346344, PMCID: PMC8962531

NM_007294.4(BRCA1):c.4649C>T (p.Thr1550Ile)

Gene: BRCA1 (BRCA1 DNA repair associated; minus strand). Cytogenetic location: 17q21.31.
Variant type: single nucleotide variant.
Coding change: c.4649C>T on transcript NM_007294.4 (MANE Select); coding-DNA position 4649, C replaced by T.
Protein change: p.Thr1550Ile; replaces threonine 1550 with isoleucine.
Molecular consequence: missense variant. On other transcripts: non-coding transcript variant (1).
Genome position (GRCh38, 1-based): chr17:43,074,357, G>A on the plus strand (C>T on the coding strand, the complement: BRCA1 is on the minus strand). VCF-style: chr17-43074357-G-A. GRCh37 (hg19) VCF-style: chr17-41226374-G-A.
Other names: p.T1550I:ACA>ATA; c.1193C>T, p.Thr398Ile (NM_001408470.1, NM_001408468.1, NM_001408469.1); c.1337C>T, p.Thr446Ile (NM_001408472.1, NM_001407981.1, NM_001407982.1 and 13 more transcripts); c.1334C>T, p.Thr445Ile (NM_001408473.1, NM_001408404.1, NM_001408392.1 and 8 more transcripts); c.1139C>T, p.Thr380Ile (NM_001408474.1); c.1127C>T, p.Thr376Ile (NM_001408485.1, NM_001408489.1, NM_001408490.1 and 5 more transcripts); c.1124C>T, p.Thr375Ile (NM_001408492.1, NM_001408493.1); c.1100C>T, p.Thr367Ile (NM_001408494.1); and 70 more; short protein forms T1550I, T1503I, T446I, T1571I, T1254I, T1439I, T1506I, T1522I.
Identifiers: ClinVar variation 55251 (VCV000055251.40), dbSNP rs80357076, ClinGen allele CA002947.